The following is an entry in ClinVar:

NM_005068.3(SIM1):c.1147A>G (p.Arg383Gly)

Genes: SIM1-AS1 (SIM1 antisense RNA 1; plus strand), SIM1 (SIM bHLH transcription factor 1; minus strand). Cytogenetic location: 6q16.3.
Variant type: single nucleotide variant.
Coding change: c.1147A>G on transcript NM_005068.3 (MANE Select); coding-DNA position 1147, A replaced by G.
Protein change: p.Arg383Gly; replaces arginine 383 with glycine.
Molecular consequence: missense variant.
Genome position (GRCh38, 1-based): chr6:100,420,810, T>C on the plus strand (A>G on the coding strand, the complement: SIM1 is on the minus strand). VCF-style: chr6-100420810-T-C. GRCh37 (hg19) VCF-style: chr6-100868686-T-C.
Other names: c.1147A>G, p.Arg383Gly (NM_001374769.1); short protein forms R383G.
Identifiers: ClinVar variation 906016 (VCV000906016.6), dbSNP rs188821440, ClinGen allele CA3937118.

ClinVar aggregate classification (germline): Uncertain significance. Review status: criteria provided, multiple submitters, no conflicts (2 of 4 stars). 3 submissions from 3 submitters: Uncertain significance (2). 1 of the submissions does not count toward it. Last evaluated 2021-08-13.

Conditions:
SIM1-associated metabolic syndrome.
SIM1-related disorder. Also called: SIM1-related disorders; SIM1-related condition.
Obesity due to SIM1 deficiency. Identifiers: Orphanet 369873, MedGen C5191050, MONDO:0018244.

Allele frequency attached by ClinVar (database versions not stated): gnomAD exomes 0.00005 and 0.00018; gnomAD 0.00006 and 0.00002; ExAC 0.00013; TOPMed 0.00017; 1000 Genomes Project 0.00100; 1000 Genomes Project 30x 0.00078.
gnomAD v4.1: 80 of 1,614,094 alleles (0.005%); highest among the groups gnomAD compares: East Asian, 0.14%; no homozygotes.

Submissions (3):

New York Genome Center
Classification: Uncertain significance for SIM1-associated metabolic syndrome. Last evaluated: 2021-08-13. Review status: criteria provided, single submitter. Criteria: NYGC Assertion Criteria 2020. Collection method: clinical testing. Allele origin: germline. Observed: 1 heterozygote.
Comment: The heterozygous c.1147A>G, p.Arg383Gly variant identified in the SIM1 gene has been reported in an individual with obesity (PMID: 23778139). This variant has nine heterozygous individuals in the gnomAD v3.1.1 database suggesting it is not a common benign variant in the populations represented in this database. Functional studies suggest a small reduction in activity and increased cytoplasmic staining compared to wild type, suggesting less efficient nuclear uptake of this variant (PMID: 23778139, 31872862). Given the lack of compelling evidence for its pathogenicity, c.1147A>G, p.Arg383Gly variant identified in the SIM1 gene is reported as a Variant of Uncertain Significance.

Illumina Laboratory Services, Illumina
Classification: Uncertain significance for Obesity due to SIM1 deficiency. Last evaluated: 2017-04-27. Review status: criteria provided, single submitter. Criteria: ICSL Variant Classification Criteria 13 December 2019. Collection method: clinical testing. Allele origin: germline.

PreventionGenetics, part of Exact Sciences
Classification: Likely benign for SIM1-related condition. Last evaluated: 2024-04-06. Review status: no assertion criteria provided. Collection method: clinical testing. Allele origin: germline. Not counted in ClinVar's aggregate classification.
Comment: This variant is classified as likely benign based on ACMG/AMP sequence variant interpretation guidelines (Richards et al. 2015 PMID: 25741868, with internal and published modifications).